The following is an entry in ClinVar:

NM_016341.4(PLCE1):c.1457C>T (p.Thr486Ile)

Gene: PLCE1 (phospholipase C epsilon 1; plus strand). Cytogenetic location: 10q23.33.
Variant type: single nucleotide variant.
Coding change: c.1457C>T on transcript NM_016341.4 (MANE Select); coding-DNA position 1457, C replaced by T.
Protein change: p.Thr486Ile; replaces threonine 486 with isoleucine.
Molecular consequence: missense variant.
Genome position (GRCh38, 1-based): chr10:94,132,424, C>T. VCF-style: chr10-94132424-C-T. GRCh37 (hg19) VCF-style: chr10-95892181-C-T.
Other names: c.533C>T, p.Thr178Ile (NM_001165979.2); c.1457C>T, p.Thr486Ile (NM_001288989.2); short protein forms T178I, T486I.
Identifiers: ClinVar variation 4814024 (VCV004814024.1).

ClinVar aggregate classification (germline): Likely benign (1 of 4 stars; one submission).

Conditions:
Nephrotic syndrome, type 3 (NPHS3). Also called: NEPHROTIC SYNDROME, EARLY-ONSET, TYPE 3. Identifiers: Orphanet 656, MedGen C1853124, MONDO:0012546, OMIM 610725.

gnomAD v4.1: 5 of 1,614,092 alleles (0.00031%); highest among the groups gnomAD compares: South Asian, 0.0044%; no homozygotes.

Submission:

Centre for Medical Genetics,  Mumbai
Classification: Likely benign for Nephrotic syndrome, type 3. Last evaluated: 2026-02-27. Review status: criteria provided, single submitter. Criteria: ACMG Guidelines, 2015. Collection method: provider interpretation. Allele origin: germline. Inheritance: Autosomal recessive inheritance. Affected: no. Observed: 1 variant allele, 1 homozygote.
Comment: The variant satisfies PM2 criteria; Extremely low frequency in gnomAD population databases. The variant satisfies BP4 criteria; For a missense or a splice region variant, computational prediction tools unanimously support a benign effect on the gene. However, the variant satisfies BS2 criteria.

Literature cited by the submitters: PubMed 17086182.